The following is an entry in ClinVar:

ClinVar aggregate classification (germline): Likely pathogenic (1 of 4 stars; one submission).

Submission:

CeGaT Center for Human Genetics Tuebingen
Classification: Likely pathogenic. Last evaluated: 2026-08-01. Review status: criteria provided, single submitter. Criteria: CeGaT Center For Human Genetics Tuebingen Variant Classification Criteria Version 2. Collection method: clinical testing. Allele origin: germline. Affected: yes. Observed: 2 variant alleles.
Comment: COL4A3: PM1:Strong, PM2

NM_000091.5(COL4A3):c.3556G>T (p.Gly1186Cys)

Genes: COL4A3 (collagen type IV alpha 3 chain; plus strand), MFF-DT (MFF divergent transcript; minus strand). Cytogenetic location: 2q36.3.
Variant type: single nucleotide variant.
Coding change: c.3556G>T on transcript NM_000091.5 (MANE Select); coding-DNA position 3556, G replaced by T.
Protein change: p.Gly1186Cys; replaces glycine 1186 with cysteine.
Molecular consequence: missense variant.
Genome position (GRCh38, 1-based): chr2:227,295,307, G>T. VCF-style: chr2-227295307-G-T. GRCh37 (hg19) VCF-style: chr2-228160023-G-T.
Other names: short protein forms G1186C.
Identifiers: ClinVar variation 5039980 (VCV005039980.1).